The following is an entry in ClinVar:

NM_001572.5(IRF7):c.700G>A (p.Glu234Lys)

Gene: IRF7 (interferon regulatory factor 7; minus strand). Cytogenetic location: 11p15.5.
Variant type: single nucleotide variant.
Coding change: c.700G>A on transcript NM_001572.5 (MANE Select); coding-DNA position 700, G replaced by A.
Protein change: p.Glu234Lys; replaces glutamic acid 234 with lysine.
Molecular consequence: missense variant. On other transcripts: intron variant (1).
Genome position (GRCh38, 1-based): chr11:614,017, C>T on the plus strand (G>A on the coding strand, the complement: IRF7 is on the minus strand). VCF-style: chr11-614017-C-T. GRCh37 (hg19) VCF-style: chr11-614017-C-T.
Other names: c.739G>A, p.Glu247Lys (NM_004031.4); c.680-152G>A (NM_004029.4); short protein forms E234K, E247K.
Identifiers: ClinVar variation 2890627 (VCV002890627.3), dbSNP rs777098681, ClinGen allele CA5783818.

ClinVar aggregate classification (germline): Uncertain significance (1 of 4 stars; one submission).

Conditions:
Immunodeficiency 39 (IMD39). Identifiers: Orphanet 574918, MedGen C4225358, MONDO:0014597, OMIM 616345.

Allele frequency attached by ClinVar (database versions not stated): gnomAD exomes below 0.00001; ExAC 0.00001.
gnomAD v4.1: 3 of 1,609,214 alleles (0.00019%); highest among the groups gnomAD compares: South Asian, 0.0022%; no homozygotes.

Submission:

Labcorp Genetics (formerly Invitae), Labcorp
Classification: Uncertain significance for Immunodeficiency 39. Last evaluated: 2024-01-04. Review status: criteria provided, single submitter. Criteria: Invitae Variant Classification Sherloc (09022015). Collection method: clinical testing. Allele origin: germline.
Comment: This sequence change replaces glutamic acid, which is acidic and polar, with lysine, which is basic and polar, at codon 247 of the IRF7 protein (p.Glu247Lys). This variant is present in population databases (rs777098681, gnomAD 0.003%). This variant has not been reported in the literature in individuals affected with IRF7-related conditions. An algorithm developed to predict the effect of missense changes on protein structure and function (PolyPhen-2) suggests that this variant is likely to be tolerated. In summary, the available evidence is currently insufficient to determine the role of this variant in disease. Therefore, it has been classified as a Variant of Uncertain Significance.